The following is an entry in ClinVar:

NM_017852.5(NLRP2):c.2201+247G>A

Gene: NLRP2 (NLR family pyrin domain containing 2; plus strand). Cytogenetic location: 19q13.42.
Variant type: single nucleotide variant.
Coding change: c.2201+247G>A on transcript NM_017852.5 (MANE Select); 247 bases into the intron after coding-DNA position 2201, G replaced by A.
Molecular consequence: intron variant.
Genome position (GRCh38, 1-based): chr19:54,985,464, G>A. VCF-style: chr19-54985464-G-A. GRCh37 (hg19) VCF-style: chr19-55496832-G-A.
Other names: c.2201+247G>A (NM_001174081.3); c.2192+247G>A (NM_001348003.2); c.2135+247G>A (NM_001174082.3); c.2132+247G>A (NM_001174083.2).
Identifiers: ClinVar variation 103054 (VCV000103054.2), dbSNP rs199475720, ClinGen allele CA230036.

ClinVar aggregate classification (germline): not provided (0 of 4 stars; one submission).

Allele frequency attached by ClinVar (database versions not stated): TOPMed 0.00002; gnomAD 0.00034 and 0.00036.
gnomAD v4.1: 51 of 152,232 alleles (0.034%); highest among the groups gnomAD compares: South Asian, 0.021%; no homozygotes.

Submission:

Human Evolutionary Genetics, Institut Pasteur
No classification provided. Review status: no classification provided. Collection method: not provided. Allele origin: germline.
ClinVar note: Converted during submission from untested to not provided.